The following is an entry in ClinVar:

ClinVar aggregate classification (germline): Uncertain significance. Review status: criteria provided, multiple submitters, no conflicts (2 of 4 stars). 2 submissions from 2 submitters: Uncertain significance (2). Last evaluated 2025-03-28.

Allele frequency attached by ClinVar (database versions not stated): ESP Exome Variant Server 0.00031; gnomAD exomes 0.00006 and 0.00012; gnomAD 0.00013 and 0.00015; TOPMed 0.00022; ExAC 0.00006.

Submissions (2):

Ambry Genetics
Classification: Uncertain significance. Last evaluated: 2025-03-28. Review status: criteria provided, single submitter. Criteria: Ambry Variant Classification Scheme 2023. Collection method: clinical testing. Allele origin: germline.

Labcorp Genetics (formerly Invitae), Labcorp
Classification: Uncertain significance. Last evaluated: 2022-10-13. Review status: criteria provided, single submitter. Criteria: Invitae Variant Classification Sherloc (09022015). Collection method: clinical testing. Allele origin: germline.
Comment: This sequence change replaces arginine, which is basic and polar, with cysteine, which is neutral and slightly polar, at codon 257 of the CDCA7 protein (p.Arg257Cys). This variant is present in population databases (rs147594902, gnomAD 0.01%). This variant has not been reported in the literature in individuals affected with CDCA7-related conditions. ClinVar contains an entry for this variant (Variation ID: 1046757). Advanced modeling of protein sequence and biophysical properties (such as structural, functional, and spatial information, amino acid conservation, physicochemical variation, residue mobility, and thermodynamic stability) performed at Invitae indicates that this missense variant is expected to disrupt CDCA7 protein function. Algorithms developed to predict the effect of sequence changes on RNA splicing suggest that this variant may create or strengthen a splice site. In summary, the available evidence is currently insufficient to determine the role of this variant in disease. Therefore, it has been classified as a Variant of Uncertain Significance.

NM_031942.5(CDCA7):c.769C>T (p.Arg257Cys)

Gene: CDCA7 (cell division cycle associated 7; plus strand). Cytogenetic location: 2q31.1.
Variant type: single nucleotide variant.
Coding change: c.769C>T on transcript NM_031942.5 (MANE Select); coding-DNA position 769, C replaced by T.
Protein change: p.Arg257Cys; replaces arginine 257 with cysteine.
Molecular consequence: missense variant.
Genome position (GRCh38, 1-based): chr2:173,364,864, C>T. VCF-style: chr2-173364864-C-T. GRCh37 (hg19) VCF-style: chr2-174229592-C-T.
Other names: c.532C>T, p.Arg178Cys (NM_145810.3); c.769C>T (NM_031942.4); short protein forms R257C, R178C.
Identifiers: ClinVar variation 1046757 (VCV001046757.8), dbSNP rs147594902, ClinGen allele CA1971332.
Genomic context (GRCh38, chr2:173,364,864, plus strand): 5'-AGACCGCGAAGGCGTACATTCCCGGGTGTTGCTTCCAGGAGAAACCCTGAACGGAGAGCT[C>T]GTCCTCTTACCAGGTCAAGGTCCCGGATCCTCGGGTCCCTTGACGCTCTACCCATGGAGG-3'
Protein context (NP_114148.3, residues 247-267): ASRRNPERRA[Arg257Cys]PLTRSRSRIL